The following is an entry in ClinVar:

ClinVar aggregate classification (germline): Uncertain significance. Review status: criteria provided, multiple submitters, no conflicts (2 of 4 stars). 4 submissions from 4 submitters: Uncertain significance (4). Last evaluated 2026-01-11.

Conditions:
Inborn genetic diseases. Identifiers: MedGen C0950123, MeSH D030342.
Collagen 6-related myopathy. Identifiers: MedGen CN117976, MONDO:0100225.
Bethlem myopathy 1A. Also called: Bethlem Muscular Dystrophy; MYOPATHY, BENIGN CONGENITAL, WITH CONTRACTURES; Bethlem myopathy 1. Identifiers: Orphanet 610, MedGen CN029274, MONDO:0024530, OMIM 158810.

Allele frequency attached by ClinVar (database versions not stated): TOPMed 0.00003; gnomAD exomes 0.00004 and 0.00007; ExAC 0.00005; gnomAD 0.00005; ESP Exome Variant Server 0.00008.
gnomAD v4.1: 116 of 1,614,016 alleles (0.0072%); highest among the groups gnomAD compares: Middle Eastern, 0.033%; 1 homozygote.

Submissions (4):

Labcorp Genetics (formerly Invitae), Labcorp
Classification: Uncertain significance for Bethlem myopathy 1A. Last evaluated: 2026-01-11. Review status: criteria provided, single submitter. Criteria: Invitae Variant Classification Sherloc (09022015). Collection method: clinical testing. Allele origin: germline.
Comment: This sequence change replaces glutamic acid, which is acidic and polar, with lysine, which is basic and polar, at codon 1690 of the COL6A3 protein (p.Glu1690Lys). This variant is present in population databases (rs144451523, gnomAD 0.009%). This missense change has been observed in individual(s) with dystonia (internal data). In at least one individual the data is consistent with being in trans (on the opposite chromosome) from a pathogenic variant. ClinVar contains an entry for this variant (Variation ID: 476531). Invitae Evidence Modeling of protein sequence and biophysical properties (such as structural, functional, and spatial information, amino acid conservation, physicochemical variation, residue mobility, and thermodynamic stability) indicates that this missense variant is expected to disrupt COL6A3 protein function with a positive predictive value of 80%. In summary, the available evidence is currently insufficient to determine the role of this variant in disease. Therefore, it has been classified as a Variant of Uncertain Significance.

Ambry Genetics
Classification: Uncertain significance for Inborn genetic diseases. Last evaluated: 2024-08-05. Review status: criteria provided, single submitter. Criteria: Ambry Variant Classification Scheme 2023. Collection method: clinical testing. Allele origin: germline.

Molecular Genetics, Royal Melbourne Hospital
Classification: Uncertain significance for Collagen 6-related myopathy. Last evaluated: 2023-03-30. Review status: criteria provided, single submitter. Criteria: ACMG Guidelines, 2015. Collection method: clinical testing. Allele origin: germline.
Comment: This sequence change in COL6A3 is predicted to replace glutamic acid with lysine at codon 1690, p.(Glu1690Lys). The glutamic acid residue is highly conserved (100 vertebrates, UCSC), and is located in the VWFA 9 domain. There is a small physicochemical difference between glutamic acid and lysine. The highest population minor allele frequency in gnomAD v2.1 is 0.001% (11/113,666 alleles) in the European (non-Finnish) population. To our knowledge, this variant has not been reported in the literature in any individuals with COL6A3-related disease. The variant has been reported as a variant of uncertain significance (ClinVar ID: 476531). Multiple lines of computational evidence predict a deleterious effect for the missense substitution (6/6 algorithms). Based on the classification scheme RMH Modified ACMG Guidelines v1.5.1, this variant is classified as a VARIANT OF UNCERTAIN SIGNIFICANCE. Following criteria are met: PP3.

Breakthrough Genomics
Classification: Uncertain significance. Review status: criteria provided, single submitter. Criteria: ACMG Guidelines, 2015. Collection method: not provided. Allele origin: germline. Inheritance: Autosomal recessive inheritance. Affected: yes.

NM_004369.4(COL6A3):c.5068G>A (p.Glu1690Lys)

Gene: COL6A3 (collagen type VI alpha 3 chain; minus strand). Cytogenetic location: 2q37.3.
Variant type: single nucleotide variant.
Coding change: c.5068G>A on transcript NM_004369.4 (MANE Select); coding-DNA position 5068, G replaced by A.
Protein change: p.Glu1690Lys; replaces glutamic acid 1690 with lysine.
Molecular consequence: missense variant.
Genome position (GRCh38, 1-based): chr2:237,367,119, C>T on the plus strand (G>A on the coding strand, the complement: COL6A3 is on the minus strand). VCF-style: chr2-237367119-C-T. GRCh37 (hg19) VCF-style: chr2-238275762-C-T.
Other names: c.3247G>A, p.Glu1083Lys (NM_057166.5); c.4450G>A, p.Glu1484Lys (NM_057167.4); short protein forms E1690K, E1484K, E1083K.
Identifiers: ClinVar variation 476531 (VCV000476531.10), dbSNP rs144451523, ClinGen allele CA2188749.